The following is an entry in ClinVar:

NM_005050.4(ABCD4):c.467A>T (p.Gln156Leu)

Gene: ABCD4 (ATP binding cassette subfamily D member 4; minus strand). Cytogenetic location: 14q24.3.
Variant type: single nucleotide variant.
Coding change: c.467A>T on transcript NM_005050.4 (MANE Select); coding-DNA position 467, A replaced by T.
Protein change: p.Gln156Leu; replaces glutamine 156 with leucine.
Molecular consequence: missense variant. On other transcripts: 5 prime UTR variant (14), non-coding transcript variant (10).
Genome position (GRCh38, 1-based): chr14:74,296,408, T>A on the plus strand (A>T on the coding strand, the complement: ABCD4 is on the minus strand). VCF-style: chr14-74296408-T-A. GRCh37 (hg19) VCF-style: chr14-74763111-T-A.
Other names: c.467A>T (NM_005050.3); c.467A>T, p.Gln156Leu (NM_001353591.2, NM_001353592.2, NM_020325.3); c.206A>T, p.Gln69Leu (NM_001353593.2, NM_001353594.2); c.58A>T, p.Ser20Cys (NM_001353595.2, NM_001353596.2, NM_001353597.2); c.-11A>T (NM_001353598.2, NM_001353599.2, NM_001353600.2 and 2 more transcripts); c.-223A>T (NM_001353602.2, NM_001353608.2); c.-228A>T (NM_001353603.2, NM_001353604.2, NM_001353605.2 and 4 more transcripts); c.338A>T, p.Gln113Leu (NM_020323.1); short protein forms Q156L, S20C, Q113L, Q69L.
Identifiers: ClinVar variation 2074759 (VCV002074759.5), dbSNP rs2505716274, ClinGen allele CA390377919.

ClinVar aggregate classification (germline): Uncertain significance. Review status: criteria provided, multiple submitters, no conflicts (2 of 4 stars). 2 submissions from 2 submitters: Uncertain significance (2). Last evaluated 2025-08-04.

Conditions:
Methylmalonic acidemia with homocystinuria, type cblJ (MAHCJ). Also called: METHYLMALONIC ACIDURIA AND HOMOCYSTINURIA, cblJ TYPE. Identifiers: Orphanet 369955, MedGen C3553915, MONDO:0013925, OMIM 614857.
Inborn genetic diseases. Identifiers: MedGen C0950123, MeSH D030342.

Submissions (2):

Ambry Genetics
Classification: Uncertain significance for Inborn genetic diseases. Last evaluated: 2025-08-04. Review status: criteria provided, single submitter. Criteria: Ambry Variant Classification Scheme 2023. Collection method: clinical testing. Allele origin: germline.

Labcorp Genetics (formerly Invitae), Labcorp
Classification: Uncertain significance for Methylmalonic acidemia with homocystinuria, type cblJ. Last evaluated: 2023-08-30. Review status: criteria provided, single submitter. Criteria: Invitae Variant Classification Sherloc (09022015). Collection method: clinical testing. Allele origin: germline.
Comment: In summary, the available evidence is currently insufficient to determine the role of this variant in disease. Therefore, it has been classified as a Variant of Uncertain Significance. Advanced modeling of protein sequence and biophysical properties (such as structural, functional, and spatial information, amino acid conservation, physicochemical variation, residue mobility, and thermodynamic stability) performed at Invitae indicates that this missense variant is not expected to disrupt ABCD4 protein function. ClinVar contains an entry for this variant (Variation ID: 2074759). This variant has not been reported in the literature in individuals affected with ABCD4-related conditions. This variant is not present in population databases (gnomAD no frequency). This sequence change replaces glutamine, which is neutral and polar, with leucine, which is neutral and non-polar, at codon 156 of the ABCD4 protein (p.Gln156Leu).